The following is an entry in ClinVar:

NM_004006.3(DMD):c.10813A>T (p.Lys3605Ter)

Gene: DMD (dystrophin; minus strand). Cytogenetic location: Xp21.2.
Variant type: single nucleotide variant.
Coding change: c.10813A>T on transcript NM_004006.3 (MANE Select); coding-DNA position 10813, A replaced by T.
Protein change: p.Lys3605Ter; replaces lysine 3605 with a stop codon.
Molecular consequence: nonsense.
Genome position (GRCh38, 1-based): chrX:31,146,399, T>A on the plus strand (A>T on the coding strand, the complement: DMD is on the minus strand). VCF-style: chrX-31146399-T-A. GRCh37 (hg19) VCF-style: chrX-31164516-T-A.
Other names: c.10789A>T, p.Lys3597Ter (NM_000109.4); c.10801A>T, p.Lys3601Ter (NM_004009.3); c.10444A>T, p.Lys3482Ter (NM_004010.3); c.6790A>T, p.Lys2264Ter (NM_004011.4); c.6781A>T, p.Lys2261Ter (NM_004012.4); c.3433A>T, p.Lys1145Ter (NM_004013.3, NM_004021.3); c.2626A>T, p.Lys876Ter (NM_004014.3); c.1609A>T, p.Lys537Ter (NM_004015.3, NM_004016.3); and 3 more; short protein forms K1145*, K2264*, K3597*, K537*, K2261*, K3601*, K524*, K1132*.
Identifiers: ClinVar variation 959273 (VCV000959273.8), dbSNP rs2036700718, ClinGen allele CA412648931.

ClinVar aggregate classification (germline): Pathogenic (1 of 4 stars; one submission).

Conditions:
Duchenne muscular dystrophy (DMD). Also called: MUSCULAR DYSTROPHY, PSEUDOHYPERTROPHIC PROGRESSIVE, DUCHENNE TYPE; Duchenne Muscular Dystrophy (DMD). Identifiers: Orphanet 98896, MedGen C0013264, MONDO:0010679, OMIM 310200.

Submission:

Labcorp Genetics (formerly Invitae), Labcorp
Classification: Pathogenic for Duchenne muscular dystrophy. Last evaluated: 2019-09-13. Review status: criteria provided, single submitter. Criteria: Invitae Variant Classification Sherloc (09022015). Collection method: clinical testing. Allele origin: germline.
Comment: For these reasons, this variant has been classified as Pathogenic. Loss-of-function variants in DMD are known to be pathogenic (PMID: 16770791, 25007885). This variant has not been reported in the literature in individuals with DMD-related conditions. This variant is not present in population databases (ExAC no frequency). This sequence change creates a premature translational stop signal (p.Lys3605*) in the DMD gene. It is expected to result in an absent or disrupted protein product.

Literature cited by the submitters: PubMed 16770791; PubMed 25007885.